The following is an entry in ClinVar:

NM_000060.4:c.322A>G

Variant type: single nucleotide variant.
Other names: c.322A>G (NM_000060.4).
Identifiers: ClinVar variation 4532847 (VCV004532847.1).

ClinVar aggregate classification (germline): Uncertain significance (1 of 4 stars; one submission).

Submission:

Quest Diagnostics Nichols Institute San Juan Capistrano
Classification: Uncertain significance. Last evaluated: 2025-07-16. Review status: criteria provided, single submitter. Criteria: Quest Diagnostics criteria. Collection method: clinical testing. Allele origin: unknown.
Comment: The BTD c.322A>G (p.Ile108Val) variant has been reported in the published literature in an individual identified during newborn screening who carried a second pathogenic BTD variant (Varghese, SE, et al., Dubai Med J (2021)4:133) and in an individual with partial biotinidase deficiency who carried a second pathogenic BTD variant (VanVleck, N, et al., Int. J. Neonatal Screen (2015)1:45-56). The frequency of this variant in the general population (Genome Aggregation Database) is uninformative in the assessment of its pathogenicity. Analysis of this variant using bioinformatics tools for the prediction of the effect of amino acid changes on protein structure and function yielded conflicting predictions that this variant is deleterious or benign. Based on the available information, we are unable to determine the clinical significance of this variant.